The following is an entry in ClinVar:

NM_005612.5(REST):c.3120A>G (p.Gln1040=)

Gene: REST (RE1 silencing transcription factor; plus strand). Cytogenetic location: 4q12.
Variant type: single nucleotide variant.
Coding change: c.3120A>G on transcript NM_005612.5 (MANE Select); coding-DNA position 3120, A replaced by G.
Protein change: p.Gln1040=; no amino-acid change (glutamine 1040 retained).
Molecular consequence: synonymous variant.
Genome position (GRCh38, 1-based): chr4:56,931,978, A>G. VCF-style: chr4-56931978-A-G. GRCh37 (hg19) VCF-style: chr4-57798144-A-G.
Other names: p.Gln1040=; c.3120A>G, p.Gln1040= (NM_001193508.2, NM_001363453.3).
Identifiers: ClinVar variation 1169920 (VCV001169920.15), dbSNP rs61748757, ClinGen allele CA2932621.
Genomic context (GRCh38, chr4:56,931,978, plus strand): 5'-TGACAACATGTCAGAGGGTAGTGATGATTCTGGATTGCATGGGGCTCGGCCAGTTCCACA[A>G]GAATCTAGCAGAAAAAATGCAAAGGAAGCCTTGGCAGTCAAAGCGGCTAAGGGAGATTTT-3'
Protein context (NP_005603.3, residues 1030-1050): SGLHGARPVP[Gln1040=]ESSRKNAKEA

ClinVar aggregate classification (germline): Benign/Likely benign. Review status: criteria provided, multiple submitters, no conflicts (2 of 4 stars). 5 submissions from 5 submitters: Benign (3); Likely benign (1). 1 of the submissions does not count toward it. Last evaluated 2026-02-03.

Conditions:
REST-related disorder. Also called: REST-related condition.

Allele frequency attached by ClinVar (database versions not stated): 1000 Genomes Project 30x 0.00437; gnomAD 0.01203 and 0.01130; ExAC 0.01338; 1000 Genomes Project 0.00439; TOPMed 0.01122; gnomAD exomes 0.01273 and 0.01675; ESP Exome Variant Server 0.01499.
gnomAD v4.1: 26,026 of 1,614,240 alleles (1.6%); highest among the groups gnomAD compares: Non-Finnish European, 1.9%; 255 homozygotes.

Submissions (5):

Labcorp Genetics (formerly Invitae), Labcorp
Classification: Benign. Last evaluated: 2026-02-03. Review status: criteria provided, single submitter. Criteria: Invitae Variant Classification Sherloc (09022015). Collection method: clinical testing. Allele origin: germline.

Mayo Clinic Laboratories, Mayo Clinic
Classification: Likely benign. Last evaluated: 2025-09-02. Review status: criteria provided, single submitter. Criteria: ACMG Guidelines, 2015. Collection method: clinical testing. Allele origin: germline. Observed: 4 variant alleles.
Comment: BS1, BP4, BP7

GeneDx
Classification: Benign. Last evaluated: 2021-03-22. Review status: criteria provided, single submitter. Criteria: GeneDx Variant Classification Process June 2021. Collection method: clinical testing. Allele origin: germline. Affected: yes.

Breakthrough Genomics
Classification: Benign. Review status: criteria provided, single submitter. Criteria: ACMG Guidelines, 2015. Collection method: not provided. Allele origin: germline. Inheritance: Autosomal dominant inheritance. Affected: yes.

PreventionGenetics, part of Exact Sciences
Classification: Benign for REST-related condition. Last evaluated: 2019-02-21. Review status: no assertion criteria provided. Collection method: clinical testing. Allele origin: germline. Not counted in ClinVar's aggregate classification.
Comment: This variant is classified as benign based on ACMG/AMP sequence variant interpretation guidelines (Richards et al. 2015 PMID: 25741868, with internal and published modifications).